The following is an entry in ClinVar:

NM_024334.3(TMEM43):c.59G>T (p.Ser20Ile)

Gene: TMEM43 (transmembrane protein 43; plus strand). Cytogenetic location: 3p25.1.
Variant type: single nucleotide variant.
Coding change: c.59G>T on transcript NM_024334.3 (MANE Select); coding-DNA position 59, G replaced by T.
Protein change: p.Ser20Ile; replaces serine 20 with isoleucine.
Molecular consequence: missense variant. On other transcripts: intron variant (1).
Genome position (GRCh38, 1-based): chr3:14,129,458, G>T. VCF-style: chr3-14129458-G-T. GRCh37 (hg19) VCF-style: chr3-14170958-G-T.
Other names: c.59G>T, p.Ser20Ile (NM_001407274.1, NM_001407275.1, NM_001407276.1 and 3 more transcripts); c.13-1364G>T (NM_001407280.1); short protein forms S20I.
Identifiers: ClinVar variation 5030950 (VCV005030950.1).
Genomic context (GRCh38, chr3:14,129,458, plus strand): 5'-TTCTTTTTCTTCAGTATTCCAGTACCAGTACCCGGAGAGAACATGTCAAAGTTAAAACCA[G>T]CTCCCAGCCAGGCTTCCTGGAACGGCTGAGCGAGACCTCGGGTGGGATGTTTGTGGGGCT-3'
Protein context (NP_077310.1, residues 10-30): TRREHVKVKT[Ser20Ile]SQPGFLERLS

ClinVar aggregate classification (germline): Uncertain significance (1 of 4 stars; one submission).

Conditions:
Cardiovascular phenotype. Identifiers: MedGen CN230736.

Submission:

Ambry Genetics
Classification: Uncertain significance for Cardiovascular phenotype. Last evaluated: 2026-09-04. Review status: criteria provided, single submitter. Criteria: Ambry Variant Classification Scheme 2023. Collection method: clinical testing. Allele origin: germline.
Comment: The p.S20I variant (also known as c.59G>T), located in coding exon 2 of the TMEM43 gene, results from a G to T substitution at nucleotide position 59. The serine at codon 20 is replaced by isoleucine, an amino acid with dissimilar properties. This amino acid position is conserved. In addition, this alteration is predicted to be tolerated by in silico analysis. Based on the available evidence, the clinical significance of this variant remains unclear.